The following is an entry in ClinVar:

ClinVar aggregate classification (germline): Uncertain significance (1 of 4 stars; one submission).

Submission:

GeneDx
Classification: Uncertain significance. Last evaluated: 2022-06-02. Review status: criteria provided, single submitter. Criteria: GeneDx Variant Classification Process June 2021. Collection method: clinical testing. Allele origin: germline. Affected: yes.
Comment: Has not been previously published as pathogenic or benign to our knowledge; Not observed at significant frequency in large population cohorts (gnomAD); In silico analysis supports that this missense variant does not alter protein structure/function

NM_001085458.2(CTNND1):c.2566G>C (p.Ala856Pro)

Genes: CTNND1 (catenin delta 1; plus strand), TMX2-CTNND1 (TMX2-CTNND1 readthrough (NMD candidate); plus strand). Cytogenetic location: 11q12.1.
Variant type: single nucleotide variant.
Coding change: c.2566G>C on transcript NM_001085458.2 (MANE Select); coding-DNA position 2566, G replaced by C.
Protein change: p.Ala856Pro; replaces alanine 856 with proline.
Molecular consequence: missense variant. On other transcripts: non-coding transcript variant (1).
Genome position (GRCh38, 1-based): chr11:57,811,414, G>C. VCF-style: chr11-57811414-G-C. GRCh37 (hg19) VCF-style: chr11-57578886-G-C.
Other names: c.2548G>C, p.Ala850Pro (NM_001085459.2, NM_001085460.2, NM_001085461.2 and 2 more transcripts); c.2263G>C, p.Ala755Pro (NM_001085463.2, NM_001085466.2); c.2245G>C, p.Ala749Pro (NM_001085464.2, NM_001085465.2, NM_001085467.2 and 3 more transcripts); c.2404G>C, p.Ala802Pro (NM_001206883.2, NM_001206884.2); c.2566G>C, p.Ala856Pro (NM_001206885.2); c.2386G>C, p.Ala796Pro (NM_001206886.2, NM_001206887.2, NM_001206888.2 and 2 more transcripts); short protein forms A749P, A755P, A796P, A802P, A850P, A856P.
Identifiers: ClinVar variation 1802133 (VCV001802133.1), dbSNP rs2497785464, ClinGen allele CA380815958.